The following is an entry in ClinVar:

ClinVar aggregate classification (germline): Uncertain significance. Review status: criteria provided, multiple submitters, no conflicts (2 of 4 stars). 2 submissions from 2 submitters: Uncertain significance (2). Last evaluated 2025-01-02.

Conditions:
Pheochromocytoma/paraganglioma syndrome 5. Also called: Paragangliomas 5; SDHA-Related Hereditary Paraganglioma-Pheochromocytoma Syndrome. Identifiers: Orphanet 29072, MedGen C3279992, MONDO:0013602, OMIM 614165.
Mitochondrial complex II deficiency, nuclear type 1. Also called: SUCCINATE CoQ REDUCTASE DEFICIENCY. Identifiers: Orphanet 3208, MedGen C5700310, MONDO:0100294, OMIM 252011.
Hereditary cancer-predisposing syndrome. Also called: Tumor predisposition; Neoplastic Syndromes, Hereditary; Hereditary Cancer Syndrome; Hereditary neoplastic syndrome. Identifiers: Orphanet 140162, MedGen C0027672, MeSH D009386, MONDO:0015356.

Submissions (2):

Ambry Genetics
Classification: Uncertain significance for Hereditary cancer-predisposing syndrome. Last evaluated: 2025-01-02. Review status: criteria provided, single submitter. Criteria: Ambry Variant Classification Scheme 2023. Collection method: clinical testing. Allele origin: germline.
Comment: The p.P643S variant (also known as c.1927C>T), located in coding exon 15 of the SDHA gene, results from a C to T substitution at nucleotide position 1927. The proline at codon 643 is replaced by serine, an amino acid with similar properties. This amino acid position is highly conserved in available vertebrate species. In addition, the in silico prediction for this alteration is inconclusive. Based on the available evidence, the clinical significance of this variant remains unclear.

Labcorp Genetics (formerly Invitae), Labcorp
Classification: Uncertain significance for Pheochromocytoma/paraganglioma syndrome 5; Mitochondrial complex II deficiency, nuclear type 1. Last evaluated: 2024-07-30. Review status: criteria provided, single submitter. Criteria: Invitae Variant Classification Sherloc (09022015). Collection method: clinical testing. Allele origin: germline.
Comment: This sequence change replaces proline, which is neutral and non-polar, with serine, which is neutral and polar, at codon 643 of the SDHA protein (p.Pro643Ser). This variant is not present in population databases (gnomAD no frequency). This variant has not been reported in the literature in individuals affected with SDHA-related conditions. ClinVar contains an entry for this variant (Variation ID: 659942). Advanced modeling of protein sequence and biophysical properties (such as structural, functional, and spatial information, amino acid conservation, physicochemical variation, residue mobility, and thermodynamic stability) performed at Invitae indicates that this missense variant is not expected to disrupt SDHA protein function with a negative predictive value of 95%. In summary, the available evidence is currently insufficient to determine the role of this variant in disease. Therefore, it has been classified as a Variant of Uncertain Significance.

NM_004168.4(SDHA):c.1927C>T (p.Pro643Ser)

Gene: SDHA (succinate dehydrogenase complex flavoprotein subunit A; plus strand). Cytogenetic location: 5p15.33.
Variant type: single nucleotide variant.
Coding change: c.1927C>T on transcript NM_004168.4 (MANE Select); coding-DNA position 1927, C replaced by T.
Protein change: p.Pro643Ser; replaces proline 643 with serine.
Molecular consequence: missense variant.
Genome position (GRCh38, 1-based): chr5:256,352, C>T. VCF-style: chr5-256352-C-T. GRCh37 (hg19) VCF-style: chr5-256467-C-T.
Other names: c.1783C>T, p.Pro595Ser (NM_001294332.2); c.1684C>T, p.Pro562Ser (NM_001330758.2); short protein forms P595S, P562S, P643S.
Identifiers: ClinVar variation 659942 (VCV000659942.14), dbSNP rs1579448568, ClinGen allele CA359002696.
Genomic context (GRCh38, chr5:256,352, plus strand): 5'-TACATTTTTGTGCTTAACTTACCACTGACTCTTCTTTTCAAGGTCACTCTGGAATATAGA[C>T]CCGTGATCGACAAAACTTTGAACGAGGCTGACTGTGCCACCGTCCCGCCAGCCATTCGCT-3'
Protein context (NP_004159.2, residues 633-653): GTGKVTLEYR[Pro643Ser]VIDKTLNEAD